The following is an entry in ClinVar:

NM_003640.5(ELP1):c.2757A>G (p.Pro919=)

Gene: ELP1 (elongator acetyltransferase complex subunit 1; minus strand). Cytogenetic location: 9q31.3.
Variant type: single nucleotide variant.
Coding change: c.2757A>G on transcript NM_003640.5 (MANE Select); coding-DNA position 2757, A replaced by G.
Protein change: p.Pro919=; no amino-acid change (proline 919 retained).
Molecular consequence: synonymous variant.
Genome position (GRCh38, 1-based): chr9:108,894,046, T>C on the plus strand (A>G on the coding strand, the complement: ELP1 is on the minus strand). VCF-style: chr9-108894046-T-C. GRCh37 (hg19) VCF-style: chr9-111656326-T-C.
Other names: c.2415A>G, p.Pro805= (NM_001318360.2); c.1710A>G, p.Pro570= (NM_001330749.2).
Identifiers: ClinVar variation 1626881 (VCV001626881.9), dbSNP rs752259389, ClinGen allele CA5174543.

ClinVar aggregate classification (germline): Likely benign. Review status: criteria provided, multiple submitters, no conflicts (2 of 4 stars). 2 submissions from 2 submitters: Likely benign (2). Last evaluated 2026-07-01.

Allele frequency attached by ClinVar (database versions not stated): gnomAD exomes below 0.00001 and 0.00001; TOPMed below 0.00001; ExAC 0.00001.
gnomAD v4.1: 1 of 1,515,808 alleles (0.000066%); highest among the groups gnomAD compares: Admixed American, 0.0017%; no homozygotes.

Submissions (2):

CeGaT Center for Human Genetics Tuebingen
Classification: Likely benign. Last evaluated: 2026-07-01. Review status: criteria provided, single submitter. Criteria: CeGaT Center For Human Genetics Tuebingen Variant Classification Criteria Version 2. Collection method: clinical testing. Allele origin: germline. Affected: yes. Observed: 1 variant allele.
Comment: ELP1: BP4, BP7

Labcorp Genetics (formerly Invitae), Labcorp
Classification: Likely benign. Last evaluated: 2023-04-25. Review status: criteria provided, single submitter. Criteria: Invitae Variant Classification Sherloc (09022015). Collection method: clinical testing. Allele origin: germline.